The following is an entry in ClinVar:

NM_006757.4(TNNT3):c.757G>C (p.Val253Leu)

Gene: TNNT3 (troponin T3, fast skeletal type; plus strand). Cytogenetic location: 11p15.5.
Variant type: single nucleotide variant.
Coding change: c.757G>C on transcript NM_006757.4 (MANE Select); coding-DNA position 757, G replaced by C.
Protein change: p.Val253Leu; replaces valine 253 with leucine.
Molecular consequence: missense variant.
Genome position (GRCh38, 1-based): chr11:1,938,472, G>C. VCF-style: chr11-1938472-G-C. GRCh37 (hg19) VCF-style: chr11-1959702-G-C.
Other names: c.733G>C, p.Val245Leu (NM_001042780.3, NM_001042782.3, NM_001297646.2 and 2 more transcripts); c.751G>C, p.Val251Leu (NM_001042781.3, NM_001367842.1, NM_001367843.1); c.766G>C, p.Val256Leu (NM_001363561.2, NM_001367847.1); c.790G>C, p.Val264Leu (NM_001367846.1); c.754G>C, p.Val252Leu (NM_001367848.1); c.745G>C, p.Val249Leu (NM_001367849.1); c.700G>C, p.Val234Leu (NM_001367850.1); c.553G>C, p.Val185Leu (NM_001367851.1, NM_001367852.1); short protein forms V249L, V253L, V256L, V234L, V185L, V245L, V252L, V251L.
Identifiers: ClinVar variation 1028552 (VCV001028552.1), dbSNP rs1855793483, ClinGen allele CA379100606.

ClinVar aggregate classification (germline): Uncertain significance (1 of 4 stars; one submission).

Conditions:
Distal arthrogryposis type 2B1 (DA2B1). Also called: Arthrogryposis multiplex congenita distal type II with craniofacial abnormalities. Identifiers: Orphanet 1147, MedGen C5193014, MONDO:0020820, OMIM 601680.

Submission:

Baylor Genetics
Classification: Uncertain significance for Distal arthrogryposis type 2B1. Last evaluated: 2020-01-31. Review status: criteria provided, single submitter. Criteria: ACMG Guidelines, 2015. Collection method: clinical testing. Allele origin: unknown. Affected: yes.
Comment: This variant was determined to be of uncertain significance according to ACMG Guidelines, 2015 [PMID:25741868].